The following is an entry in ClinVar:

NM_001291415.2(KDM6A):c.3953C>A (p.Ser1318Ter)

Gene: KDM6A (lysine demethylase 6A; plus strand). Cytogenetic location: Xp11.3.
Variant type: single nucleotide variant.
Coding change: c.3953C>A on transcript NM_001291415.2 (MANE Select); coding-DNA position 3953, C replaced by A.
Protein change: p.Ser1318Ter; replaces serine 1318 with a stop codon.
Molecular consequence: nonsense. On other transcripts: non-coding transcript variant (1).
Genome position (GRCh38, 1-based): chrX:45,090,783, C>A. VCF-style: chrX-45090783-C-A. GRCh37 (hg19) VCF-style: chrX-44950028-C-A.
Other names: c.3818C>A, p.Ser1273Ter (NM_001291416.2); c.3662C>A, p.Ser1221Ter (NM_001291417.2); c.3560C>A, p.Ser1187Ter (NM_001291418.2); c.2909C>A, p.Ser970Ter (NM_001291421.2); c.3797C>A, p.Ser1266Ter (NM_021140.4); short protein forms S1266*, S1318*, S970*, S1273*, S1221*, S1187*.
Identifiers: ClinVar variation 523806 (VCV000523806.3), dbSNP rs1556357314, ClinGen allele CA412808311.

ClinVar aggregate classification (germline): Pathogenic. Review status: criteria provided, single submitter (1 of 4 stars). 2 submissions from 2 submitters: Pathogenic (1). 1 of the submissions does not count toward it. Last evaluated 2018-02-27.

Conditions:
Kabuki syndrome 2 (KABUK2). Also called: KDM6A-Related Kabuki Syndrome. Identifiers: Orphanet 2322, MedGen C3275495, MONDO:0010465, OMIM 300867.

Submissions (2):

GeneDx
Classification: Pathogenic. Last evaluated: 2018-02-27. Review status: criteria provided, single submitter. Criteria: GeneDx Variant Classification (06012015). Collection method: clinical testing. Allele origin: germline. Affected: yes.
Comment: The S1266X pathogenic variant in the KDM6A gene has not been reported previously as a pathogenic variant, nor as a benign variant, to our knowledge. This variant is predicted to cause loss of normal protein function either through protein truncation or nonsense-mediated mRNA decay. The S1266X variant is not observed in large population cohorts (Lek et al., 2016). We interpret S1266X as a pathogenic variant.

Bodamer Research Lab, Boston Children's Hospital
Classification: Pathogenic for Kabuki syndrome 2. Last evaluated: 2023-01-01. Review status: no assertion criteria provided. Collection method: provider interpretation. Allele origin: germline. Affected: yes. Not counted in ClinVar's aggregate classification.